The following is an entry in ClinVar:

ClinVar aggregate classification (germline): Pathogenic (1 of 4 stars; one submission).

Conditions:
Cardiovascular phenotype. Identifiers: MedGen CN230736.

Submission:

Ambry Genetics
Classification: Pathogenic for Cardiovascular phenotype. Last evaluated: 2026-08-20. Review status: criteria provided, single submitter. Criteria: Ambry Variant Classification Scheme 2023. Collection method: clinical testing. Allele origin: germline.
Comment: The p.Q2215* pathogenic mutation (also known as c.6643C>T), located in coding exon 24 of the DSP gene, results from a C to T substitution at nucleotide position 6643. This changes the amino acid from a glutamine to a stop codon within coding exon 24. This variant is considered to be rare based on population cohorts in the Genome Aggregation Database (gnomAD). This alteration is expected to result in loss of function by premature protein truncation or nonsense-mediated mRNA decay. As such, this alteration is interpreted as a disease-causing mutation.

NM_004415.4(DSP):c.6643C>T (p.Gln2215Ter)

Gene: DSP (desmoplakin; plus strand). Cytogenetic location: 6p24.3.
Variant type: single nucleotide variant.
Coding change: c.6643C>T on transcript NM_004415.4 (MANE Select); coding-DNA position 6643, C replaced by T.
Protein change: p.Gln2215Ter; replaces glutamine 2215 with a stop codon.
Molecular consequence: nonsense.
Genome position (GRCh38, 1-based): chr6:7,583,905, C>T. VCF-style: chr6-7583905-C-T. GRCh37 (hg19) VCF-style: chr6-7584138-C-T.
Other names: c.4846C>T, p.Gln1616Ter (NM_001008844.3); c.5314C>T, p.Gln1772Ter (NM_001319034.2); short protein forms Q2215*, Q1616*, Q1772*.
Identifiers: ClinVar variation 5035661 (VCV005035661.1).
Genomic context (GRCh38, chr6:7,583,905, plus strand): 5'-CATACTGGTCTGCTCTTGCTTTCAGTACAGAAGAGAAGCATGTCCTTCCAAGGAATCAGA[C>T]AACCTGTGACCGTCACTGAGCTAGTAGATTCTGGTATATTGAGACCGTCCACTGTCAATG-3'